The following is an entry in ClinVar:

ClinVar aggregate classification (germline): Uncertain significance (1 of 4 stars; one submission).

Submissions (2):

CeGaT Center for Human Genetics Tuebingen
Classification: Uncertain significance. Last evaluated: 2026-05-01. Review status: criteria provided, single submitter. Criteria: CeGaT Center For Human Genetics Tuebingen Variant Classification Criteria Version 2. Collection method: clinical testing. Allele origin: germline. Affected: yes. Observed: 1 variant allele.
Comment: VDAC2: PM2

Dr. Peter K. Rogan Lab, Western University
No classification provided (evidence only). Condition: Lung cancer. Review status: no classification provided. Collection method: in vitro. Allele origin: not applicable. Functional consequence: skipped exon. Not counted in ClinVar's aggregate classification.

NM_001391963.1(VDAC2):c.736-1G>A

Gene: VDAC2 (voltage dependent anion channel 2; plus strand). Cytogenetic location: 10q22.2.
Variant type: single nucleotide variant.
Coding change: c.736-1G>A on transcript NM_001391963.1 (MANE Select); the canonical splice acceptor site of the intron before coding-DNA position 736, G replaced by A.
Molecular consequence: splice acceptor variant.
Genome position (GRCh38, 1-based): chr10:75,229,643, G>A. VCF-style: chr10-75229643-G-A. GRCh37 (hg19) VCF-style: chr10-76989401-G-A.
Other names: NC_000010.10:g.76989401G>A; c.781-1G>A (NM_001184783.3); c.619-1G>A (NM_001324087.2, NM_001324090.2, NM_001324089.2); c.736-1G>A (NM_003375.5, NM_001324088.2, NM_001184823.2).
Identifiers: ClinVar variation 4365238 (VCV004365238.3).
Genomic context (GRCh38, chr10:75,229,643, plus strand): 5'-TGTAGGGGCTTTGTCTCTATTGAAATATTTTTCTTACAGTTGTTTTTGTATTTTATTTTA[G>A]GCAAAAGTCAACAACTCTAGCTTAATTGGAGTAGGCTATACTCAGACTCTGAGGCCTGGT-3'